The following is an entry in ClinVar:

ClinVar aggregate classification (germline): Uncertain significance. Review status: criteria provided, multiple submitters, no conflicts (2 of 4 stars). 2 submissions from 2 submitters: Uncertain significance (2). Last evaluated 2026-08-12.

Conditions:
Hereditary cancer-predisposing syndrome. Also called: Hereditary Cancer Syndrome; Hereditary neoplastic syndrome; Neoplastic Syndromes, Hereditary; Tumor predisposition. Identifiers: Orphanet 140162, MedGen C0027672, MeSH D009386, MONDO:0015356.
BAP1-related tumor predisposition syndrome (TPDS1). Also called: TUMOR PREDISPOSITION SYNDROME 1; COMMON Syndrome; BAP1 tumor predisposition syndrome; Tumor susceptibility linked to germline BAP1 mutations. Identifiers: Orphanet 289539, MedGen C3280492, MONDO:0013692, OMIM 614327.

Submissions (2):

Ambry Genetics
Classification: Uncertain significance for Hereditary cancer-predisposing syndrome. Last evaluated: 2026-08-12. Review status: criteria provided, single submitter. Criteria: Ambry Variant Classification Scheme 2023. Collection method: clinical testing. Allele origin: germline.
Comment: The p.E685K variant (also known as c.2053G>A), located in coding exon 16 of the BAP1 gene, results from a G to A substitution at nucleotide position 2053. The glutamic acid at codon 685 is replaced by lysine, an amino acid with similar properties. This amino acid position is conserved. In addition, this alteration is predicted to be tolerated by in silico analysis. Based on the available evidence, the clinical significance of this variant remains unclear.

Labcorp Genetics (formerly Invitae), Labcorp
Classification: Uncertain significance for BAP1-related tumor predisposition syndrome. Last evaluated: 2023-03-18. Review status: criteria provided, single submitter. Criteria: Invitae Variant Classification Sherloc (09022015). Collection method: clinical testing. Allele origin: germline.
Comment: This variant has not been reported in the literature in individuals affected with BAP1-related conditions. Advanced modeling of protein sequence and biophysical properties (such as structural, functional, and spatial information, amino acid conservation, physicochemical variation, residue mobility, and thermodynamic stability) performed at Invitae indicates that this missense variant is expected to disrupt BAP1 protein function. In summary, the available evidence is currently insufficient to determine the role of this variant in disease. Therefore, it has been classified as a Variant of Uncertain Significance. This variant is not present in population databases (gnomAD no frequency). This sequence change replaces glutamic acid, which is acidic and polar, with lysine, which is basic and polar, at codon 685 of the BAP1 protein (p.Glu685Lys).

NM_004656.4(BAP1):c.2053G>A (p.Glu685Lys)

Gene: BAP1 (BRCA1 associated deubiquitinase 1; minus strand). Cytogenetic location: 3p21.1.
Variant type: single nucleotide variant.
Coding change: c.2053G>A on transcript NM_004656.4 (MANE Select); coding-DNA position 2053, G replaced by A.
Protein change: p.Glu685Lys; replaces glutamic acid 685 with lysine.
Molecular consequence: missense variant.
Genome position (GRCh38, 1-based): chr3:52,402,605, C>T on the plus strand (G>A on the coding strand, the complement: BAP1 is on the minus strand). VCF-style: chr3-52402605-C-T. GRCh37 (hg19) VCF-style: chr3-52436621-C-T.
Other names: c.1999G>A, p.Glu667Lys (NM_001410772.1); short protein forms E667K, E685K.
Identifiers: ClinVar variation 2846809 (VCV002846809.4), dbSNP rs2153226178, ClinGen allele CA353096120.